The following is an entry in ClinVar:

ClinVar aggregate classification (germline): Uncertain significance. Review status: criteria provided, multiple submitters, no conflicts (2 of 4 stars). 3 submissions from 3 submitters: Uncertain significance (3). Last evaluated 2025-11-03.

Conditions:
Hereditary cancer-predisposing syndrome. Also called: Hereditary Cancer Syndrome; Tumor predisposition; Neoplastic Syndromes, Hereditary; Hereditary neoplastic syndrome. Identifiers: Orphanet 140162, MedGen C0027672, MeSH D009386, MONDO:0015356.
Birt-Hogg-Dube syndrome. Also called: Birt Hogg Dubé syndrome. Identifiers: Orphanet 122, MedGen C0346010, MONDO:0800444.
17p11.2 microduplication syndrome (PTLS). Also called: CHROMOSOME 17p11.2 DUPLICATION SYNDROME; Potocki-Lupski syndrome; Duplication 17p11.2 syndrome; Potocki-Lupski syndrome (dup(17)(p11.2p11.2)). Identifiers: Orphanet 1713, MedGen C2931246, MONDO:0012574, OMIM 610883.
Nonpapillary renal cell carcinoma. Identifiers: Orphanet 422526, MedGen CN074294, MONDO:0007763, OMIM 144700.
Colorectal cancer. Also called: Colorectal cancer, somatic; Malignant Colorectal Neoplasm. Identifiers: MedGen C0346629, MONDO:0005575, OMIM 114500.
Familial spontaneous pneumothorax (PSP). Identifiers: Orphanet 2903, MedGen C1868193, MONDO:0008259, OMIM 173600.

Allele frequency attached by ClinVar (database versions not stated): gnomAD exomes below 0.00001.
gnomAD v4.1: 1 of 1,614,142 alleles (0.000062%); highest among the groups gnomAD compares: Admixed American, 0.0017%; no homozygotes.

Submissions (3):

Labcorp Genetics (formerly Invitae), Labcorp
Classification: Uncertain significance for Birt-Hogg-Dube syndrome. Last evaluated: 2025-11-03. Review status: criteria provided, single submitter. Criteria: Invitae Variant Classification Sherloc (09022015). Collection method: clinical testing. Allele origin: germline.
Comment: This sequence change replaces leucine, which is neutral and non-polar, with phenylalanine, which is neutral and non-polar, at codon 507 of the FLCN protein (p.Leu507Phe). This variant is present in population databases (no rsID available, gnomAD 0.003%). This variant has not been reported in the literature in individuals affected with FLCN-related conditions. ClinVar contains an entry for this variant (Variation ID: 649357). Invitae Evidence Modeling of protein sequence and biophysical properties (such as structural, functional, and spatial information, amino acid conservation, physicochemical variation, residue mobility, and thermodynamic stability) indicates that this missense variant is not expected to disrupt FLCN protein function with a negative predictive value of 80%. In summary, the available evidence is currently insufficient to determine the role of this variant in disease. Therefore, it has been classified as a Variant of Uncertain Significance.

Ambry Genetics
Classification: Uncertain significance for Hereditary cancer-predisposing syndrome. Last evaluated: 2024-01-04. Review status: criteria provided, single submitter. Criteria: Ambry Variant Classification Scheme 2023. Collection method: clinical testing. Allele origin: germline.
Comment: The p.L507F variant (also known as c.1519C>T), located in coding exon 10 of the FLCN gene, results from a C to T substitution at nucleotide position 1519. The leucine at codon 507 is replaced by phenylalanine, an amino acid with highly similar properties. This amino acid position is highly conserved in available vertebrate species. In addition, this alteration is predicted to be deleterious by in silico analysis. Since supporting evidence is limited at this time, the clinical significance of this alteration remains unclear.

Fulgent Genetics
Classification: Uncertain significance for Colorectal cancer; Birt-Hogg-Dube syndrome 1; Nonpapillary renal cell carcinoma; Familial spontaneous pneumothorax; 17p11.2 microduplication syndrome. Last evaluated: 2022-02-25. Review status: criteria provided, single submitter. Criteria: ACMG Guidelines, 2015. Collection method: clinical testing. Allele origin: unknown.

NM_144997.7(FLCN):c.1519C>T (p.Leu507Phe)

Gene: FLCN (folliculin; minus strand). Cytogenetic location: 17p11.2.
Variant type: single nucleotide variant.
Coding change: c.1519C>T on transcript NM_144997.7 (MANE Select); coding-DNA position 1519, C replaced by T.
Protein change: p.Leu507Phe; replaces leucine 507 with phenylalanine.
Molecular consequence: missense variant.
Genome position (GRCh38, 1-based): chr17:17,215,004, G>A on the plus strand (C>T on the coding strand, the complement: FLCN is on the minus strand). VCF-style: chr17-17215004-G-A. GRCh37 (hg19) VCF-style: chr17-17118318-G-A.
Other names: c.1519C>T (LRG_325t1); c.1573C>T, p.Leu525Phe (NM_001353229.2); c.1519C>T, p.Leu507Phe (NM_001353230.2, NM_001353231.2); short protein forms L525F, L507F.
Identifiers: ClinVar variation 649357 (VCV000649357.11), dbSNP rs1360467783, ClinGen allele CA398530741.